The following is an entry in ClinVar:

NM_004714.3(DYRK1B):c.769A>G (p.Ile257Val)

Gene: DYRK1B (dual specificity tyrosine phosphorylation regulated kinase 1B; minus strand). Cytogenetic location: 19q13.2.
Variant type: single nucleotide variant.
Coding change: c.769A>G on transcript NM_004714.3 (MANE Select); coding-DNA position 769, A replaced by G.
Protein change: p.Ile257Val; replaces isoleucine 257 with valine.
Molecular consequence: missense variant.
Genome position (GRCh38, 1-based): chr19:39,828,335, T>C on the plus strand (A>G on the coding strand, the complement: DYRK1B is on the minus strand). VCF-style: chr19-39828335-T-C. GRCh37 (hg19) VCF-style: chr19-40318975-T-C.
Other names: c.769A>G, p.Ile257Val (NM_006483.3, NM_006484.3); short protein forms I257V.
Identifiers: ClinVar variation 4984600 (VCV004984600.1).

ClinVar aggregate classification (germline): Uncertain significance (1 of 4 stars; one submission).

Conditions:
DYRK1B-related disorder. Also called: DYRK1B-related condition.

Submission:

PreventionGenetics, part of Exact Sciences
Classification: Uncertain significance for DYRK1B-related condition. Last evaluated: 2026-08-17. Review status: criteria provided, single submitter. Criteria: ACMG Guidelines, 2015. Collection method: clinical testing. Allele origin: germline.
Comment: The DYRK1B c.769A>G variant is predicted to result in the amino acid substitution p.Ile257Val. To our knowledge, this variant has not been reported in the literature. This variant is reported in 0.00088% of alleles in individuals of European (Non-Finnish) descent in gnomAD. At this time, the clinical significance of this variant is uncertain due to the absence of conclusive functional and genetic evidence.